The following is an entry in ClinVar:

ClinVar aggregate classification (germline): Conflicting classifications of pathogenicity. Review status: criteria provided, conflicting classifications (1 of 4 stars). 4 submissions from 4 submitters: Uncertain significance (2); Likely benign (2). Last evaluated 2026-08-30.

Conditions:
DST-related disorder. Also called: DST-related disorders; DST-related condition.
Hereditary sensory and autonomic neuropathy type 6. Also called: Neuropathy, hereditary sensory and autonomic, type VI; HSAN VI. Identifiers: Orphanet 314381, MedGen C3539003, MONDO:0013839, OMIM 614653.
Epidermolysis bullosa simplex 3, localized or generalized intermediate, with BP230 deficiency (EBS3). Also called: Epidermolysis bullosa simplex, autosomal recessive 2; Epidermolysis bullosa simplex due to BP230 deficiency. Identifiers: Orphanet 412181, MedGen C3809470, MONDO:0014180, OMIM 615425.

Allele frequency attached by ClinVar (database versions not stated): gnomAD 0.00002; TOPMed 0.00012; ExAC 0.00035.

Submissions (4):

PreventionGenetics, part of Exact Sciences
Classification: Likely benign for DST-related condition. Last evaluated: 2026-08-30. Review status: criteria provided, single submitter. Criteria: ACMG Guidelines, 2015. Collection method: clinical testing. Allele origin: germline.
Comment: This variant is classified as likely benign based on ACMG/AMP sequence variant interpretation guidelines (Richards et al. 2015 PMID: 25741868, with internal and published modifications).

Labcorp Genetics (formerly Invitae), Labcorp
Classification: Likely benign for Epidermolysis bullosa simplex 3, localized or generalized intermediate, with BP230 deficiency; Hereditary sensory and autonomic neuropathy type 6. Last evaluated: 2026-01-21. Review status: criteria provided, single submitter. Criteria: Invitae Variant Classification Sherloc (09022015). Collection method: clinical testing. Allele origin: germline.

GeneDx
Classification: Uncertain significance. Last evaluated: 2023-04-27. Review status: criteria provided, single submitter. Criteria: GeneDx Variant Classification Process June 2021. Collection method: clinical testing. Allele origin: germline. Affected: yes.
Comment: In silico analysis supports that this missense variant does not alter protein structure/function; Has not been previously published as pathogenic or benign to our knowledge

Mayo Clinic Laboratories, Mayo Clinic
Classification: Uncertain significance. Last evaluated: 2021-12-20. Review status: criteria provided, single submitter. Criteria: ACMG Guidelines, 2015. Collection method: clinical testing. Allele origin: germline.

NM_001723.7(DST):c.6731T>A (p.Ile2244Asn)

Gene: DST (dystonin; minus strand). Cytogenetic location: 6p12.1.
Variant type: single nucleotide variant.
Coding change: c.6731T>A on transcript NM_001723.7 (MANE Plus Clinical); coding-DNA position 6731, T replaced by A.
Protein change: p.Ile2244Asn; replaces isoleucine 2244 with asparagine.
Molecular consequence: missense variant. On other transcripts: intron variant (10).
Genome position (GRCh38, 1-based): chr6:56,616,736, A>T on the plus strand (T>A on the coding strand, the complement: DST is on the minus strand). VCF-style: chr6-56616736-A-T. GRCh37 (hg19) VCF-style: chr6-56481534-A-T.
Other names: p.Ile2244Asn; c.4831-2252T>A (NM_001144769.5); c.4930-2252T>A (NM_001374722.1, NM_001374736.1); c.4957-2252T>A (NM_001374734.1); c.4417-2252T>A (NM_001144770.2); c.4297-2252T>A (NM_001374730.1, NM_001386100.1, NM_183380.4 and 1 more transcripts); c.3319-2252T>A (NM_015548.5); short protein forms I2244N.
Identifiers: ClinVar variation 698190 (VCV000698190.14), dbSNP rs780009389, ClinGen allele CA3870104.